The following is an entry in ClinVar:

NM_000135.4(FANCA):c.341C>T (p.Ala114Val)

Gene: FANCA (FA complementation group A; minus strand). Cytogenetic location: 16q24.3.
Variant type: single nucleotide variant.
Coding change: c.341C>T on transcript NM_000135.4 (MANE Select); coding-DNA position 341, C replaced by T.
Protein change: p.Ala114Val; replaces alanine 114 with valine.
Molecular consequence: missense variant.
Genome position (GRCh38, 1-based): chr16:89,811,014, G>A on the plus strand (C>T on the coding strand, the complement: FANCA is on the minus strand). VCF-style: chr16-89811014-G-A. GRCh37 (hg19) VCF-style: chr16-89877422-G-A.
Other names: c.341C>T, p.Ala114Val (NM_001018112.3, NM_001286167.3, NM_001351830.2); short protein forms A114V.
Identifiers: ClinVar variation 3572399 (VCV003572399.1).

ClinVar aggregate classification (germline): Uncertain significance (1 of 4 stars; one submission).

gnomAD v4.1: 1 of 1,614,036 alleles (0.000062%); highest among the groups gnomAD compares: East Asian, 0.0022%; no homozygotes.

Submission:

Quest Diagnostics Nichols Institute San Juan Capistrano
Classification: Uncertain significance. Last evaluated: 2024-10-09. Review status: criteria provided, single submitter. Criteria: Quest Diagnostics criteria. Collection method: clinical testing. Allele origin: unknown.
Comment: The FANCA c.341C>T (p.Ala114Val) variant has been reported in the published literature in an individual with ovarian cancer (PMID: 32546565 (2021)). This variant has not been reported in large, multi-ethnic general populations (Genome Aggregation Database). Analysis of this variant using bioinformatics tools for the prediction of the effect of amino acid changes on protein structure and function yielded conflicting predictions that this variant is benign or damaging. Based on the available information, we are unable to determine the clinical significance of this variant.

Literature cited by the submitters: PubMed 32546565.